The following is an entry in ClinVar:

NM_004836.7(EIF2AK3):c.1943_1946dup (p.Gly650fs)

Gene: EIF2AK3 (eukaryotic translation initiation factor 2 alpha kinase 3; minus strand). Cytogenetic location: 2p11.2.
Variant type: Duplication.
Coding change: c.1943_1946dup on transcript NM_004836.7 (MANE Select); coding-DNA positions 1943 to 1946, 4 bases duplicated (ACCC; older notation c.1943_1946dupACCC).
Protein change: p.Gly650fs; shifts the reading frame from glycine 650.
Molecular consequence: frameshift variant.
Genome position (GRCh38, 1-based): chr2:88,576,644-88,576,647, GGGT duplicated on the plus strand (ACCC on the coding strand, the reverse complement: EIF2AK3 is on the minus strand); duplicating any 4 consecutive bases within chr2:88,576,644-88,576,648 gives the same sequence; the c. name uses the placement nearest the transcript's 3' end. VCF-style (leftmost placement, unchanged base first): chr2-88576643-C-CGGGT. GRCh37 (hg19) VCF-style: chr2-88876161-C-CGGGT.
Other names: c.1490_1493dup, p.Gly499fs (NM_001313915.2); short protein forms G499fs, G650fs.
Identifiers: ClinVar variation 2838367 (VCV002838367.3), dbSNP rs2529133062, ClinGen allele CA2739271143.
Genomic context (GRCh38, chr2:88,576,643, plus strand): 5'-CTTTTCTTGCCACTTCTCTGGTGGTGCTTCGAGCCAGGCATTGAAATATCTAACAATGCC[C>CGGGT]GGGTGTTCAAGCTTGGCTAAGGCTTTAACTTCTCGCATTACCTTTTCCCGAGCCAATTCC-3'

ClinVar aggregate classification (germline): Pathogenic (1 of 4 stars; one submission).

Submission:

Labcorp Genetics (formerly Invitae), Labcorp
Classification: Pathogenic. Last evaluated: 2023-02-16. Review status: criteria provided, single submitter. Criteria: Invitae Variant Classification Sherloc (09022015). Collection method: clinical testing. Allele origin: germline.
Comment: This sequence change creates a premature translational stop signal (p.Gly650Profs*5) in the EIF2AK3 gene. It is expected to result in an absent or disrupted protein product. Loss-of-function variants in EIF2AK3 are known to be pathogenic (PMID: 11997520). This variant is not present in population databases (gnomAD no frequency). This variant has not been reported in the literature in individuals affected with EIF2AK3-related conditions. For these reasons, this variant has been classified as Pathogenic.

Literature cited by the submitters: PubMed 11997520.